The following is an entry in ClinVar:

NM_001267550.2(TTN):c.75368T>C (p.Val25123Ala)

Genes: TTN (titin; minus strand), TTN-AS1 (TTN antisense RNA 1; plus strand). Cytogenetic location: 2q31.2.
Variant type: single nucleotide variant.
Coding change: c.75368T>C on transcript NM_001267550.2 (MANE Select); coding-DNA position 75368, T replaced by C.
Protein change: p.Val25123Ala; replaces valine 25123 with alanine.
Molecular consequence: missense variant.
Genome position (GRCh38, 1-based): chr2:178,570,764, A>G on the plus strand (T>C on the coding strand, the complement: TTN is on the minus strand). VCF-style: chr2-178570764-A-G. GRCh37 (hg19) VCF-style: chr2-179435491-A-G.
Other names: c.70445T>C, p.Val23482Ala (NM_001256850.1); c.48173T>C, p.Val16058Ala (NM_003319.4); c.67664T>C, p.Val22555Ala (NM_133378.4); c.48548T>C, p.Val16183Ala (NM_133432.3); c.48749T>C, p.Val16250Ala (NM_133437.4); short protein forms V16058A, V16183A, V16250A, V22555A, V23482A, V25123A.
Identifiers: ClinVar variation 3602915 (VCV003602915.1).
Genomic context (GRCh38, chr2:178,570,764, plus strand): 5'-ATGGTTGGTATTGGTTTGCCATAAATATCTGCATCAACCTTGAATGATTCACCAGCATGA[A>G]CCACGATTGTGTCTTTGTATTTTGGATCCATACTTATTCGTGGTGGATCTACCTCATCTC-3'
Protein context (NP_001254479.2, residues 25113-25133): MDPKYKDTIV[Val25123Ala]HAGESFKVDA

ClinVar aggregate classification (germline): Uncertain significance (1 of 4 stars; one submission).

gnomAD v4.1: 4 of 1,613,472 alleles (0.00025%); highest among the groups gnomAD compares: Non-Finnish European, 0.00034%; no homozygotes.

Submission:

GeneDx
Classification: Uncertain significance. Last evaluated: 2024-08-01. Review status: criteria provided, single submitter. Criteria: GeneDx Variant Classification Process June 2021. Collection method: clinical testing. Allele origin: germline. Affected: yes.
Comment: Not observed at significant frequency in large population cohorts (gnomAD); Missense variant in a gene in which most reported pathogenic variants are truncating/loss of function; Has not been previously published as pathogenic or benign to our knowledge